The following is an entry in ClinVar:

ClinVar aggregate classification (germline): Pathogenic (1 of 4 stars; one submission).

Conditions:
Marfan syndrome (MFS). Also called: MARFAN SYNDROME, TYPE I; Marfan syndrome type 1; Marfan's syndrome; Marfan syndrome, classic; FBN1-Related Marfan Syndrome. Identifiers: Orphanet 284963, Orphanet 558, MedGen C0024796, MONDO:0007947, OMIM 154700.
Familial thoracic aortic aneurysm and aortic dissection (TAAD). Also called: Thoracic aortic aneurysms and dissections. Identifiers: Orphanet 91387, MedGen C4707243, MONDO:0019625.

Submission:

Labcorp Genetics (formerly Invitae), Labcorp
Classification: Pathogenic for Marfan syndrome; Familial thoracic aortic aneurysm and aortic dissection. Last evaluated: 2025-08-19. Review status: criteria provided, single submitter. Criteria: Invitae Variant Classification Sherloc (09022015). Collection method: clinical testing. Allele origin: germline.
Comment: This sequence change replaces cysteine, which is neutral and slightly polar, with tryptophan, which is neutral and slightly polar, at codon 781 of the FBN1 protein (p.Cys781Trp). This variant is not present in population databases (gnomAD no frequency). This missense change has been observed in individual(s) with Marfan syndrome (PMID: 25966184). It has also been observed to segregate with disease in related individuals. ClinVar contains an entry for this variant (Variation ID: 2925568). Invitae Evidence Modeling of protein sequence and biophysical properties (such as structural, functional, and spatial information, amino acid conservation, physicochemical variation, residue mobility, and thermodynamic stability) indicates that this missense variant is expected to disrupt FBN1 protein function with a positive predictive value of 95%. This variant affects a cysteine residue in the EGF-like, TGFBP or hybrid motif domains of FBN1. Cysteine residues are believed to be involved in intramolecular disulfide bridges and have been shown to be important for FBN1 protein structure (PMID: 16905551, 19349279). In addition, missense substitutions affecting cysteine residues within these domains are significantly overrepresented among patients with Marfan syndrome (PMID: 16571647, 17701892). For these reasons, this variant has been classified as Pathogenic.

Literature cited by the submitters: PubMed 25966184; PubMed 16905551; PubMed 19349279; PubMed 16571647; PubMed 17701892.

NM_000138.5(FBN1):c.2343T>G (p.Cys781Trp)

Gene: FBN1 (fibrillin 1; minus strand). Cytogenetic location: 15q21.1.
Variant type: single nucleotide variant.
Coding change: c.2343T>G on transcript NM_000138.5 (MANE Select); coding-DNA position 2343, T replaced by G.
Protein change: p.Cys781Trp; replaces cysteine 781 with tryptophan.
Molecular consequence: missense variant.
Genome position (GRCh38, 1-based): chr15:48,496,176, A>C on the plus strand (T>G on the coding strand, the complement: FBN1 is on the minus strand). VCF-style: chr15-48496176-A-C. GRCh37 (hg19) VCF-style: chr15-48788373-A-C.
Other names: c.2343T>G, p.Cys781Trp (NM_001406716.1); short protein forms C781W.
Identifiers: ClinVar variation 2925568 (VCV002925568.3), dbSNP rs199647257, ClinGen allele CA392335452.
Genomic context (GRCh38, chr15:48,496,176, plus strand): 5'-ATCAGGTTTGTAGATAAATCCCTTGGGGCAGGTACAGACAAAACTTCCAGGAGTATTTCT[A>C]CATTGTCCATTGTCACAAAGGAGACTGTTCAGTACACATTCATTAATATCTGCAAAGTCA-3'
Protein context (NP_000129.3, residues 771-791): LNSLLCDNGQ[Cys781Trp]RNTPGSFVCT